The following is an entry in ClinVar:

ClinVar aggregate classification (germline): Benign/Likely benign. Review status: criteria provided, multiple submitters, no conflicts (2 of 4 stars). 2 submissions from 2 submitters: Benign (1); Likely benign (1). Last evaluated 2024-07-18.

Conditions:
Hereditary cancer-predisposing syndrome. Also called: Neoplastic Syndromes, Hereditary; Tumor predisposition; Hereditary neoplastic syndrome; Hereditary Cancer Syndrome. Identifiers: Orphanet 140162, MedGen C0027672, MeSH D009386, MONDO:0015356.
Familial cancer of breast. Also called: BREAST CANCER, FAMILIAL; Hereditary breast cancer; hereditary breast carcinoma. Identifiers: Orphanet 227535, MedGen C0346153, MONDO:0016419, OMIM 114480. Disease mechanism: loss of function.

Submissions (2):

Myriad Genetics, Inc.
Classification: Benign for Familial cancer of breast. Last evaluated: 2024-07-18. Review status: criteria provided, single submitter. Criteria: Myriad Autosomal Dominant, Autosomal Recessive and X-Linked Classification Criteria (2023). Collection method: clinical testing. Allele origin: unknown.
Comment: This variant is considered benign. This variant is a silent/synonymous amino acid change and it is not expected to impact splicing.

Ambry Genetics
Classification: Likely benign for Hereditary cancer-predisposing syndrome. Last evaluated: 2018-10-12. Review status: criteria provided, single submitter. Criteria: Ambry Variant Classification Scheme 2023. Collection method: clinical testing. Allele origin: germline.

NM_000465.4(BARD1):c.69G>C (p.Ala23=)

Gene: BARD1 (BRCA1 associated RING domain 1; minus strand). Cytogenetic location: 2q35.
Variant type: single nucleotide variant.
Coding change: c.69G>C on transcript NM_000465.4 (MANE Select); coding-DNA position 69, G replaced by C.
Protein change: p.Ala23=; no amino-acid change (alanine 23 retained).
Molecular consequence: synonymous variant. On other transcripts: non-coding transcript variant (3).
Genome position (GRCh38, 1-based): chr2:214,809,501, C>G on the plus strand (G>C on the coding strand, the complement: BARD1 is on the minus strand). VCF-style: chr2-214809501-C-G. GRCh37 (hg19) VCF-style: chr2-215674225-C-G.
Other names: c.69G>C, p.Ala23= (NM_001282543.2, NM_001282545.2, NM_001282548.2 and 1 more transcripts).
Identifiers: ClinVar variation 826761 (VCV000826761.5), dbSNP rs1574869633, ClinGen allele CA431148554.